The following is an entry in ClinVar:

ClinVar aggregate classification (germline): Pathogenic/Likely pathogenic. Review status: criteria provided, multiple submitters, no conflicts (2 of 4 stars). 14 submissions from 14 submitters: Pathogenic (8); Likely pathogenic (5). 1 of the submissions does not count toward it. Last evaluated 2026-05-12.

Conditions:
ABCG8-related disorder. Also called: ABCG8-related condition.
Sitosterolemia 1. Identifiers: MedGen C2749759, MONDO:0020747, OMIM 210250.
Cardiovascular phenotype. Identifiers: MedGen CN230736.
Sitosterolemia (STSL). Also called: PHYTOSTEROLEMIA. Identifiers: Orphanet 2882, MedGen C0342907, MONDO:0008863.
Early-onset coronary artery disease. Identifiers: MedGen C4229399.

Allele frequency attached by ClinVar (database versions not stated): ExAC 0.00006; gnomAD 0.00006 and 0.00022; gnomAD exomes 0.00006; TOPMed 0.00027.

Submissions 1 to 11 of 14:

PreventionGenetics, part of Exact Sciences
Classification: Likely pathogenic for ABCG8-related condition. Last evaluated: 2026-05-12. Review status: criteria provided, single submitter. Criteria: ACMG Guidelines, 2015. Collection method: clinical testing. Allele origin: germline.
Comment: The ABCG8 c.1720G>A variant is predicted to result in the amino acid substitution p.Gly574Arg. This variant has been reported in the homozygous state or with a second ABCG8 variant in individuals with sitosterolemia (see, for example: Berge et al. 2000. PubMed ID: 11099417; Supplementary Table 4, Xia et al. 2022. PubMed ID: 34969652; Alves et al. 2025. PubMed ID: 41130816). It has been reported to be a common in the Amish population (Horenstein et al. 2013. PubMed ID: 23241408) Individuals with heterozygous variants in ABCG8 have also been reported to have elevated levels of plant sterols and hypercholesterolemia (Berge et al. 2000. PubMed ID: 11099417; Horenstein et al. 2013. PubMed ID: 23241408). In vitro experimental studies suggest this variant reduces but does not eliminate protein trafficking from the endoplasmic reticulum to the Golgi complex (Graf et al. 2004. PubMed ID: 15054092). This variant is reported in 0.0093% of alleles in individuals of European (non-Finnish) descent in gnomAD. Another missense variant affecting the same amino acid (p.Gly574Glu) has also been reported in individuals with sitosterolemia (Lu et al. 2001. PubMed ID: 11452359). This variant is interpreted as likely pathogenic.

Labcorp Genetics (formerly Invitae), Labcorp
Classification: Pathogenic. Last evaluated: 2026-01-19. Review status: criteria provided, single submitter. Criteria: Invitae Variant Classification Sherloc (09022015). Collection method: clinical testing. Allele origin: germline.
Comment: This sequence change replaces glycine, which is neutral and non-polar, with arginine, which is basic and polar, at codon 574 of the ABCG8 protein (p.Gly574Arg). This variant is present in population databases (rs137852988, gnomAD 0.01%). This missense change has been observed in individual(s) with sitosterolemia (PMID: 11099417, 12124998, 15996216, 25073796, 32088153, 34969652). In at least one individual the data is consistent with being in trans (on the opposite chromosome) from a pathogenic variant. ClinVar contains an entry for this variant (Variation ID: 4968). Invitae Evidence Modeling of protein sequence and biophysical properties (such as structural, functional, and spatial information, amino acid conservation, physicochemical variation, residue mobility, and thermodynamic stability) indicates that this missense variant is expected to disrupt ABCG8 protein function with a positive predictive value of 80%. Experimental studies are conflicting or provide insufficient evidence to determine the effect of this variant on ABCG8 function (PMID: 15054092). This variant disrupts the p.Gly574 amino acid residue in ABCG8. Other variant(s) that disrupt this residue have been observed in individuals with ABCG8-related conditions (PMID: 11452359), which suggests that this may be a clinically significant amino acid residue. For these reasons, this variant has been classified as Pathogenic.

First Genomix Gene Laboratory, Genetic Diagnostics Department
Classification: Pathogenic for Sitosterolemia 1. Last evaluated: 2025-08-14. Review status: criteria provided, single submitter. Criteria: ACMG Guidelines, 2015. Collection method: clinical testing. Allele origin: germline. Inheritance: Autosomal recessive inheritance. Affected: no. Observed: 1 variant allele.

GeneDx
Classification: Pathogenic. Last evaluated: 2025-05-29. Review status: criteria provided, single submitter. Criteria: GeneDx Variant Classification Process June 2021. Collection method: clinical testing. Allele origin: germline. Affected: yes.
Comment: In silico analysis supports that this missense variant has a deleterious effect on protein structure/function; This variant is associated with the following publications: (PMID: 34969652, 32088153, 31589614, 15996216, 3706300, 6110091, 34317312, 35300601, 35046417, 39230882, 25073796, 11264985, 31028937, 11099417, 38584274, 37647632, 36229885, 30315151, 36329474, 12124998, 15054092, 23241408, Gandhi2025[abstract])

Women's Health and Genetics/Laboratory Corporation of America, LabCorp
Classification: Pathogenic for Early-onset coronary artery disease. Last evaluated: 2025-03-19. Review status: criteria provided, single submitter. Criteria: LabCorp Variant Classification Summary - May 2015. Collection method: clinical testing. Allele origin: germline.
Comment: Variant summary: ABCG8 c.1720G>A (p.Gly574Arg) results in a non-conservative amino acid change in the encoded protein sequence. Five of five in-silico tools predict a damaging effect of the variant on protein function. The variant allele was found at a frequency of 6.4e-05 in 250674 control chromosomes. This frequency is not significantly higher than estimated for a pathogenic variant in ABCG8 causing Early Onset Coronary Artery Disease (6.4e-05 vs 0.005), allowing no conclusion about variant significance. c.1720G>A has been reported in the literature in multiple individuals affected with Early Onset Coronary Artery Disease, especially in the Amish population (e.g., Berge_2000, Peterson_2020). These data indicate that the variant is very likely to be associated with disease. At least one publication reports experimental evidence evaluating an impact on protein function, however, does not allow convincing conclusions about the variant effect (e.g., Graf_2024). The following publications have been ascertained in the context of this evaluation (PMID: 11099417, 15054092, 34317312). ClinVar contains an entry for this variant (Variation ID: 4968). Based on the evidence outlined above, the variant was classified as pathogenic.

Revvity Omics, Revvity
Classification: Likely pathogenic for Sitosterolemia 1. Last evaluated: 2023-05-10. Review status: criteria provided, single submitter. Criteria: ACMG Guidelines, 2015. Collection method: clinical testing. Allele origin: germline.

Ambry Genetics
Classification: Pathogenic for Cardiovascular phenotype. Last evaluated: 2020-10-05. Review status: criteria provided, single submitter. Criteria: Ambry Variant Classification Scheme 2023. Collection method: clinical testing. Allele origin: germline.
Comment: The p.G574R pathogenic mutation (also known as c.1720G>A), located in coding exon 11 of the ABCG8 gene, results from a G to A substitution at nucleotide position 1720. The glycine at codon 574 is replaced by arginine, an amino acid with dissimilar properties. This mutation has been reported in several homozygous sitosterolemia cases and has been described as an Amish founder mutation (Kwiterovich PO et al. Lancet, 1981 Feb;1:466-9; Berge KE et al. Science, 2000 Dec;290:1771-5; Heimerl S et al. Hum. Mutat., 2002 Aug;20:151; Solc&agrave; C et al. Clin. Genet., 2005 Aug;68:174-8; Horenstein RB et al, 2013 Feb;33:413-9). One in vitro study indicates that this alteration may impact protein function (Graf GA et al. J. Biol. Chem., 2004 Jun;279:24881-8). Based on internal structural analysis, this variant is anticipated to result in a significant decrease in structural stability (Thonghin N et al, 2018 12;18:17). Based on the supporting evidence, this alteration is interpreted as a disease-causing mutation.

Blueprint Genetics
Classification: Likely pathogenic for ABCG8-related disorders. Last evaluated: 2020-04-24. Review status: criteria provided, single submitter. Criteria: ACMG Guidelines, 2015. Collection method: clinical testing. Allele origin: germline. Affected: yes. Observed: 4 variant alleles.

SIB Swiss Institute of Bioinformatics
Classification: Likely pathogenic for Sitosterolemia 1. Last evaluated: 2018-05-31. Review status: criteria provided, single submitter. Criteria: ACMG Guidelines, 2015. Collection method: curation. Allele origin: unknown.
Comment: This variant is interpreted as a Likely Pathogenic, for Sitosterolemia, in Autosomal Recessive manner. The following ACMG Tag(s) were applied: PM2 => Absent from controls (or at extremely low frequency if recessive) in Exome Sequencing Project, 1000 Genomes Project, or Exome Aggregation Consortium. PP3 => Multiple lines of computational evidence support a deleterious effect on the gene or gene product. PS3 => Well-established functional studies show a deleterious effect (PMID:15054092).

Illumina Laboratory Services, Illumina
Classification: Likely pathogenic for Sitosterolemia 1. Last evaluated: 2017-04-27. Review status: criteria provided, single submitter. Criteria: ICSL Variant Classification Criteria 09 May 2019. Collection method: clinical testing. Allele origin: germline.
Comment: The ABCG8 c.1720G>A (p.Gly574Arg) variant has been found in a homozygous state in at least six individuals with sitosterolemia, five of whom are from the Amish population (Berge et al. 2000; Lee et al. 2001; Solca et al. 2005; Horenstein et al. 2013; Ruiz et al. 2015). Horenstein et al. (2013) determined that the carrier frequency for the p.Gly574Arg variant was 0.76% in the healthy Amish population and identified a statistically significant increase in plant sterol plasma levels in carriers compared to non-carriers. Control data are unavailable for this variant, which is reported at a frequency of 0.00009 in the European (non-Finnish) population of the Exome Aggregation Consortium. Based on the evidence, the p.Gly574Arg variant is classified as likely pathogenic for sitosterolemia. This variant was observed by ICSL as part of a predisposition screen in an ostensibly healthy population.

Eurofins Ntd Llc (ga)
Classification: Pathogenic. Last evaluated: 2016-06-02. Review status: criteria provided, single submitter. Criteria: EGL Classification Definitions 2015. Collection method: clinical testing. Allele origin: germline. Observed: 4 variant alleles, 4 heterozygotes.

NM_022437.3(ABCG8):c.1720G>A (p.Gly574Arg)

Gene: ABCG8 (ATP binding cassette subfamily G member 8; plus strand). Cytogenetic location: 2p21.
Variant type: single nucleotide variant.
Coding change: c.1720G>A on transcript NM_022437.3 (MANE Select); coding-DNA position 1720, G replaced by A.
Protein change: p.Gly574Arg; replaces glycine 574 with arginine.
Molecular consequence: missense variant.
Genome position (GRCh38, 1-based): chr2:43,875,377, G>A. VCF-style: chr2-43875377-G-A. GRCh37 (hg19) VCF-style: chr2-44102516-G-A.
Other names: NM_022437.2(ABCG8):c.1720G>A(p.Gly574Arg); c.1717G>A, p.Gly573Arg (NM_001357321.2); short protein forms G574R, G573R.
Identifiers: ClinVar variation 4968 (VCV000004968.30), dbSNP rs137852988, ClinGen allele CA253361.